The following is an entry in ClinVar:

ClinVar aggregate classification (germline): Uncertain significance (1 of 4 stars; one submission).

Conditions:
Cardiomyopathy (CMYO). Also called: Cardiomyopathies. Identifiers: Orphanet 167848, MedGen C0878544, MONDO:0004994, HP:0001638. Inheritance: Various modes of inheritance.

Allele frequency attached by ClinVar (database versions not stated): TOPMed below 0.00001.

Submission:

Color Diagnostics, LLC DBA Color Health
Classification: Uncertain significance for Cardiomyopathy. Last evaluated: 2024-03-07. Review status: criteria provided, single submitter. Criteria: ACMG Guidelines, 2015. Collection method: clinical testing. Allele origin: germline.
Comment: This missense variant replaces glycine with aspartic acid at codon 799 of the MYBPC3 protein. Computational prediction is inconclusive regarding the impact of this variant on protein structure and function (internally defined REVEL score threshold 0.5 < inconclusive < 0.7, PMID: 27666373). To our knowledge, functional studies have not been reported for this variant. This variant has not been reported in individuals affected with cardiovascular disorders in the literature. This variant has not been identified in the general population by the Genome Aggregation Database (gnomAD). The available evidence is insufficient to determine the role of this variant in disease conclusively. Therefore, this variant is classified as a Variant of Uncertain Significance.

NM_000256.3(MYBPC3):c.2396G>A (p.Gly799Asp)

Gene: MYBPC3 (myosin binding protein C3; minus strand). Cytogenetic location: 11p11.2.
Variant type: single nucleotide variant.
Coding change: c.2396G>A on transcript NM_000256.3 (MANE Select); coding-DNA position 2396, G replaced by A.
Protein change: p.Gly799Asp; replaces glycine 799 with aspartic acid.
Molecular consequence: missense variant.
Genome position (GRCh38, 1-based): chr11:47,337,707, C>T on the plus strand (G>A on the coding strand, the complement: MYBPC3 is on the minus strand). VCF-style: chr11-47337707-C-T. GRCh37 (hg19) VCF-style: chr11-47359258-C-T.
Other names: short protein forms G799D.
Identifiers: ClinVar variation 1332346 (VCV001332346.3), dbSNP rs2095883919, ClinGen allele CA380318646.